The following is an entry in ClinVar:

ClinVar aggregate classification (germline): Uncertain significance (1 of 4 stars; one submission).

gnomAD v4.1: 3 of 1,559,618 alleles (0.00019%); highest among the groups gnomAD compares: Admixed American, 0.0033%; no homozygotes.

Submission:

Labcorp Genetics (formerly Invitae), Labcorp
Classification: Uncertain significance. Last evaluated: 2022-02-02. Review status: criteria provided, single submitter. Criteria: Invitae Variant Classification Sherloc (09022015). Collection method: clinical testing. Allele origin: germline.
Comment: In summary, the available evidence is currently insufficient to determine the role of this variant in disease. Therefore, it has been classified as a Variant of Uncertain Significance. Algorithms developed to predict the effect of missense changes on protein structure and function are either unavailable or do not agree on the potential impact of this missense change (SIFT: "Tolerated"; PolyPhen-2: "Probably Damaging"; Align-GVGD: "Class C0"). This variant has not been reported in the literature in individuals affected with P3H2-related conditions. This variant is present in population databases (rs376254011, gnomAD 0.003%). This sequence change replaces tyrosine, which is neutral and polar, with phenylalanine, which is neutral and non-polar, at codon 610 of the P3H2 protein (p.Tyr610Phe).

NM_018192.4(P3H2):c.1829A>T (p.Tyr610Phe)

Gene: P3H2 (prolyl 3-hydroxylase 2; minus strand). Cytogenetic location: 3q28.
Variant type: single nucleotide variant.
Coding change: c.1829A>T on transcript NM_018192.4 (MANE Select); coding-DNA position 1829, A replaced by T.
Protein change: p.Tyr610Phe; replaces tyrosine 610 with phenylalanine.
Molecular consequence: missense variant.
Genome position (GRCh38, 1-based): chr3:189,970,880, T>A on the plus strand (A>T on the coding strand, the complement: P3H2 is on the minus strand). VCF-style: chr3-189970880-T-A. GRCh37 (hg19) VCF-style: chr3-189688669-T-A.
Other names: c.1286A>T, p.Tyr429Phe (NM_001134418.2); short protein forms Y429F, Y610F.
Identifiers: ClinVar variation 1495844 (VCV001495844.8), dbSNP rs376254011, ClinGen allele CA2752752.